The following is an entry in ClinVar:

NM_000492.4(CFTR):c.1586A>G (p.Asp529Gly)

Genes: CFTR (CF transmembrane conductance regulator; plus strand), LOC111674475 (CFTR intron 11 enhancer; plus strand). Cytogenetic location: 7q31.2.
Variant type: single nucleotide variant.
Coding change: c.1586A>G on transcript NM_000492.4 (MANE Select); coding-DNA position 1586, A replaced by G.
Protein change: p.Asp529Gly; replaces aspartic acid 529 with glycine.
Molecular consequence: missense variant.
Genome position (GRCh38, 1-based): chr7:117,587,740, A>G. VCF-style: chr7-117587740-A-G. GRCh37 (hg19) VCF-style: chr7-117227794-A-G.
Other names: short protein forms D529G.
Identifiers: ClinVar variation 53293 (VCV000053293.12), dbSNP rs397508236, ClinGen allele CA326547.
Genomic context (GRCh38, chr7:117,587,740, plus strand): 5'-TTCAAATTCAGATTGAGCATACTAAAAGTGACTCTCTAATTTTCTATTTTTGGTAATAGG[A>G]CATCTCCAAGTTTGCAGAGAAAGACAATATAGTTCTTGGAGAAGGTGGAATCACACTGAG-3'
Protein context (NP_000483.3, residues 519-539): SVIKACQLEE[Asp529Gly]ISKFAEKDNI

ClinVar aggregate classification (germline): Conflicting classifications of pathogenicity. Review status: criteria provided, conflicting classifications (1 of 4 stars). 3 submissions from 3 submitters: Likely pathogenic (2); Uncertain significance (1). Last evaluated 2025-07-24.

Conditions:
Cystic fibrosis (CF). Also called: MUCOVISCIDOSIS. Identifiers: Orphanet 586, MedGen C0010674, MONDO:0009061, OMIM 219700. Disease mechanism: loss of function.

Allele frequency attached by ClinVar (database versions not stated): gnomAD exomes 0.00001.
gnomAD v4.1: 4 of 1,590,424 alleles (0.00025%); highest among the groups gnomAD compares: Non-Finnish European, 0.00035%; no homozygotes.

Submissions (3):

Women's Health and Genetics/Laboratory Corporation of America, LabCorp
Classification: Likely pathogenic for Cystic fibrosis. Last evaluated: 2025-07-24. Review status: criteria provided, single submitter. Criteria: LabCorp Variant Classification Summary - May 2015. Collection method: clinical testing. Allele origin: germline.
Comment: Variant summary: CFTR c.1586A>G (p.Asp529Gly) results in a non-conservative amino acid change located in the ABC transporter-like, ATP-binding domain (IPR003439) of the encoded protein sequence. Algorithms developed to predict the effect of missense changes on protein structure and function all suggest that this variant is likely to be disruptive. Several computational tools predict a significant impact on normal splicing: Two predict the variant weakens a 3' acceptor site. One predict the variant no significant impact on splicing. However, these predictions have yet to be confirmed by functional studies. The variant was absent in 250852 control chromosomes. c.1586A>G has been observed in the compound heterozygous state in individuals affected with Cystic Fibrosis (internal data). These data indicate that the variant may be associated with disease. At least one publication reports experimental evidence evaluating an impact on protein function. The most pronounced variant effect results in 12% of normal activity (Bihler_2024). The following publications have been ascertained in the context of this evaluation (PMID: 38388235, 32734384, 36834620). ClinVar contains an entry for this variant (Variation ID: 53293). Based on the evidence outlined above, the variant was classified as likely pathogenic.

Labcorp Genetics (formerly Invitae), Labcorp
Classification: Likely pathogenic for Cystic fibrosis. Last evaluated: 2025-02-19. Review status: criteria provided, single submitter. Criteria: Invitae Variant Classification Sherloc (09022015). Collection method: clinical testing. Allele origin: germline.
Comment: This sequence change replaces aspartic acid, which is acidic and polar, with glycine, which is neutral and non-polar, at codon 529 of the CFTR protein (p.Asp529Gly). This variant is not present in population databases (gnomAD no frequency). This missense change has been observed in individual(s) with cystic fibrosis (external communication, http//). In at least one individual the data is consistent with being in trans (on the opposite chromosome) from a pathogenic variant. ClinVar contains an entry for this variant (Variation ID: 53293). An algorithm developed to predict the effect of missense changes on protein structure and function (PolyPhen-2) suggests that this variant is likely to be tolerated. This variant disrupts the p.Asp529 amino acid residue in CFTR. Other variant(s) that disrupt this residue have been observed in individuals with CFTR-related conditions (PMID: 25910067, 35119551), which suggests that this may be a clinically significant amino acid residue. In summary, the currently available evidence indicates that the variant is pathogenic, but additional data are needed to prove that conclusively. Therefore, this variant has been classified as Likely Pathogenic.

Eurofins Ntd Llc (ga)
Classification: Uncertain significance. Last evaluated: 2017-12-04. Review status: criteria provided, single submitter. Criteria: EGL Classification Definitions 2015. Collection method: clinical testing. Allele origin: germline.

Literature cited by the submitters: PubMed 36834620 (cited by Women's Health and Genetics/Laboratory Corporation of America, LabCorp); PubMed 38388235 (cited by Women's Health and Genetics/Laboratory Corporation of America, LabCorp); PubMed 32734384 (cited by Women's Health and Genetics/Laboratory Corporation of America, LabCorp); PubMed 25910067 (cited by Labcorp Genetics (formerly Invitae), Labcorp); PubMed 35119551 (cited by Labcorp Genetics (formerly Invitae), Labcorp).